The following is an entry in ClinVar:

ClinVar aggregate classification (germline): Benign/Likely benign. Review status: criteria provided, multiple submitters, no conflicts (2 of 4 stars). 5 submissions from 5 submitters: Benign (2); Likely benign (1). 2 of the submissions do not count toward it. Last evaluated 2026-02-04.

Conditions:
Geleophysic dysplasia 3. Identifiers: MedGen C4540511, MONDO:0054722, OMIM 617809.
Brachyolmia-amelogenesis imperfecta syndrome. Also called: Tooth agenesis, selective, 6; Dental anomalies and short stature; PLATYSPONDYLY WITH AMELOGENESIS IMPERFECTA. Identifiers: Orphanet 2899, MedGen C1832594, MONDO:0011018, OMIM 601216. Disease mechanism: loss of function.

Submissions (5):

Labcorp Genetics (formerly Invitae), Labcorp
Classification: Likely benign for Brachyolmia-amelogenesis imperfecta syndrome. Last evaluated: 2026-02-04. Review status: criteria provided, single submitter. Criteria: Invitae Variant Classification Sherloc (09022015). Collection method: clinical testing. Allele origin: germline.

Mayo Clinic Laboratories, Mayo Clinic
Classification: Benign. Last evaluated: 2023-11-07. Review status: criteria provided, single submitter. Criteria: ACMG Guidelines, 2015. Collection method: clinical testing. Allele origin: germline. Observed: 4 variant alleles.
Comment: BA1, BP3

GeneDx
Classification: Benign. Last evaluated: 2021-06-09. Review status: criteria provided, single submitter. Criteria: GeneDx Variant Classification Process June 2021. Collection method: clinical testing. Allele origin: germline. Affected: yes.

Genome Diagnostics Laboratory, University Medical Center Utrecht
Classification: Likely benign. Review status: no assertion criteria provided. Collection method: clinical testing. Allele origin: germline. Affected: yes. Study: VKGL Data-share Consensus. Not counted in ClinVar's aggregate classification.

Laboratory of Diagnostic Genome Analysis, Leiden University Medical Center (LUMC)
Classification: Likely benign. Review status: no assertion criteria provided. Collection method: clinical testing. Allele origin: germline. Affected: yes. Study: VKGL Data-share Consensus. Not counted in ClinVar's aggregate classification.

Literature cited by the submitters: PubMed 35207686 (cited by Mayo Clinic Laboratories, Mayo Clinic).

NM_001130144.3(LTBP3):c.76CTG[9] (p.Leu35del)

Gene: LTBP3 (latent transforming growth factor beta binding protein 3; minus strand). Cytogenetic location: 11q13.1.
Variant type: Microsatellite.
Coding change: c.76CTG[9] on transcript NM_001130144.3 (MANE Select); nine copies in a row of the 3-base unit CTG starting at c.76; the reference has ten copies in a row; one copy, 3 bases deleted.
Protein change: p.Leu35del; deletes leucine 35.
Molecular consequence: inframe deletion. On other transcripts: 5 prime UTR variant (1).
Genome position (GRCh38, 1-based): chr11:65,557,855-65,557,857, CAG deleted on the plus strand (CTG on the coding strand, the reverse complement: LTBP3 is on the minus strand); deleting any 3 consecutive bases within chr11:65,557,855-65,557,885 gives the same sequence; the position shown is the placement nearest the transcript's 3' end. VCF-style (leftmost placement, unchanged base first): chr11-65557854-CCAG-C. GRCh37 (hg19) VCF-style: chr11-65325325-CCAG-C.
Other names: p.Leu35del; c.103_105delCTG (NM_001130144.2); c.-272CTG[9] (NM_001164266.1); c.76CTG[9], p.Leu35del (NM_021070.4); short protein forms L35del.
Identifiers: ClinVar variation 532697 (VCV000532697.17), dbSNP rs71036212, ClinGen allele CA6101295.